The following is an entry in ClinVar:

ClinVar aggregate classification (germline): Likely benign. Review status: criteria provided, multiple submitters, no conflicts (2 of 4 stars). 2 submissions from 2 submitters: Likely benign (2). Last evaluated 2025-11-03.

Conditions:
LAMA2-related muscular dystrophy (LAMA2-RD). Also called: Laminin alpha 2-related dystrophy. Identifiers: MedGen C5679788, MONDO:0100228.

Allele frequency attached by ClinVar (database versions not stated): gnomAD exomes below 0.00001; gnomAD 0.00001; TOPMed 0.00001.
gnomAD v4.1: 7 of 1,612,492 alleles (0.00043%); highest among the groups gnomAD compares: Admixed American, 0.0083%; no homozygotes.

Submissions (2):

Labcorp Genetics (formerly Invitae), Labcorp
Classification: Likely benign for LAMA2-related muscular dystrophy. Last evaluated: 2025-11-03. Review status: criteria provided, single submitter. Criteria: Invitae Variant Classification Sherloc (09022015). Collection method: clinical testing. Allele origin: germline.

Mayo Clinic Laboratories, Mayo Clinic
Classification: Likely benign. Last evaluated: 2025-09-11. Review status: criteria provided, single submitter. Criteria: ACMG Guidelines, 2015. Collection method: clinical testing. Allele origin: germline. Observed: 1 variant allele.
Comment: BP4, BP7

NM_000426.4(LAMA2):c.5439A>G (p.Ala1813=)

Gene: LAMA2 (laminin subunit alpha 2; plus strand). Cytogenetic location: 6q22.33.
Variant type: single nucleotide variant.
Coding change: c.5439A>G on transcript NM_000426.4 (MANE Select); coding-DNA position 5439, A replaced by G.
Protein change: p.Ala1813=; no amino-acid change (alanine 1813 retained).
Molecular consequence: synonymous variant.
Genome position (GRCh38, 1-based): chr6:129,393,249, A>G. VCF-style: chr6-129393249-A-G. GRCh37 (hg19) VCF-style: chr6-129714394-A-G.
Other names: p.Ala1813=; c.5439A>G (NM_000426.3); c.5439A>G, p.Ala1813= (NM_001079823.2).
Identifiers: ClinVar variation 1584713 (VCV001584713.9), dbSNP rs1014635278, ClinGen allele CA146885950.